The following is an entry in ClinVar:

ClinVar aggregate classification (germline): Benign/Likely benign. Review status: criteria provided, multiple submitters, no conflicts (2 of 4 stars). 4 submissions from 4 submitters: Benign (1); Likely benign (3). Last evaluated 2026-06-24.

Conditions:
Hereditary cancer-predisposing syndrome. Also called: Hereditary Cancer Syndrome; Hereditary neoplastic syndrome; Neoplastic Syndromes, Hereditary; Tumor predisposition. Identifiers: Orphanet 140162, MedGen C0027672, MeSH D009386, MONDO:0015356.
Retinoblastoma (RB1). Also called: RETINOBLASTOMA, SOMATIC. Identifiers: Orphanet 790, MedGen C0035335, MeSH D012175, MONDO:0008380, OMIM 180200, HP:0009919. Disease mechanism: loss of function. Inheritance: Both sporadic and heritable forms are tested..

Allele frequency attached by ClinVar (database versions not stated): TOPMed 0.00001.
gnomAD v4.1: 3 of 1,613,330 alleles (0.00019%); highest among the groups gnomAD compares: Non-Finnish European, 0.00025%; no homozygotes.

Submissions (4):

Myriad Genetics, Inc.
Classification: Benign for Retinoblastoma. Last evaluated: 2026-06-24. Review status: criteria provided, single submitter. Criteria: Myriad Autosomal Dominant, Autosomal Recessive and X-Linked Classification Criteria (2023). Collection method: clinical testing. Allele origin: unknown.
Comment: This variant is considered benign. This variant is a silent/synonymous amino acid change and it is not expected to impact splicing.

Labcorp Genetics (formerly Invitae), Labcorp
Classification: Likely benign for Retinoblastoma. Last evaluated: 2025-06-18. Review status: criteria provided, single submitter. Criteria: Invitae Variant Classification Sherloc (09022015). Collection method: clinical testing. Allele origin: germline.

All of Us Research Program, National Institutes of Health
Classification: Likely benign for Retinoblastoma. Last evaluated: 2024-04-25. Review status: criteria provided, single submitter. Criteria: ACMG Guidelines, 2015. Collection method: clinical testing. Allele origin: germline. Inheritance: Autosomal dominant inheritance. Observed: 2 variant alleles, 2 heterozygotes.
Comment: This study involves interpretation of variants in research participants for the purpose of population health screening. Participant phenotype was not available at the time of variant classification. Additional details can be found in publication PMID: 35346344, PMCID: PMC8962531

Ambry Genetics
Classification: Likely benign for Hereditary cancer-predisposing syndrome. Last evaluated: 2022-10-20. Review status: criteria provided, single submitter. Criteria: Ambry Variant Classification Scheme 2023. Collection method: clinical testing. Allele origin: germline.

NM_000321.3(RB1):c.1083C>T (p.Asn361=)

Gene: RB1 (RB transcriptional corepressor 1; plus strand). Cytogenetic location: 13q14.2.
Variant type: single nucleotide variant.
Coding change: c.1083C>T on transcript NM_000321.3 (MANE Select); coding-DNA position 1083, C replaced by T.
Protein change: p.Asn361=; no amino-acid change (asparagine 361 retained).
Molecular consequence: synonymous variant.
Genome position (GRCh38, 1-based): chr13:48,368,560, C>T. VCF-style: chr13-48368560-C-T. GRCh37 (hg19) VCF-style: chr13-48942696-C-T.
Identifiers: ClinVar variation 697239 (VCV000697239.15), dbSNP rs976503237, ClinGen allele CA249277011.